The following is an entry in ClinVar:

NM_007294.4(BRCA1):c.1112del (p.Pro371fs)

Gene: BRCA1 (BRCA1 DNA repair associated; minus strand). Cytogenetic location: 17q21.31.
Variant type: Deletion.
Coding change: c.1112del on transcript NM_007294.4 (MANE Select); coding-DNA position 1112, one base deleted (C; older notation c.1112delC).
Protein change: p.Pro371fs; shifts the reading frame from proline 371.
Molecular consequence: frameshift variant. On other transcripts: intron variant (137).
Genome position (GRCh38, 1-based): chr17:43,094,419, G deleted on the plus strand (C on the coding strand, the reverse complement: BRCA1 is on the minus strand); the first of 2 consecutive G bases (chr17:43,094,419-43,094,420); deleting either gives the same sequence. VCF-style (leftmost placement, unchanged base first): chr17-43094418-AG-A. GRCh37 (hg19) VCF-style: chr17-41246435-AG-A.
Other names: c.1112delC (NM_007294.3); c.779del, p.Pro260fs (NM_001407946.1, NM_001407947.1, NM_001407948.1 and 6 more transcripts); c.776del, p.Pro259fs (NM_001407954.1, NM_001407955.1, NM_001407956.1 and 1 more transcripts); c.731del, p.Pro244fs (NM_001407959.1, NM_001407960.1, NM_001407963.1); c.728del, p.Pro243fs (NM_001407962.1); c.968del, p.Pro323fs (NM_001407964.1, NM_001407740.1, NM_001407741.1 and 20 more transcripts); c.608del, p.Pro203fs (NM_001407965.1); c.224del, p.Pro75fs (NM_001407966.1, NM_001407967.1); and 41 more; short protein forms P371fs, P324fs, P244fs, P300fs, P301fs, P304fs, P344fs, P370fs.
Identifiers: ClinVar variation 54133 (VCV000054133.3), dbSNP rs397508837, ClinGen allele CA000744.

ClinVar aggregate classification (germline): Pathogenic. Review status: reviewed by expert panel (3 of 4 stars). 2 submissions from 2 submitters: Pathogenic (1). 1 of the submissions does not count toward it. Last evaluated 2017-12-15.

Conditions:
Breast-ovarian cancer, familial, susceptibility to, 1 (BROVCA1). Also called: OVARIAN CANCER, SUSCEPTIBILITY TO; BRCA1 Hereditary Breast and Ovarian Cancer. Identifiers: Orphanet 145, MedGen C2676676, MONDO:0011450, OMIM 604370. Disease mechanism: loss of function.
Familial cancer of breast. Also called: Hereditary breast cancer; hereditary breast carcinoma; BREAST CANCER, FAMILIAL. Identifiers: Orphanet 227535, MedGen C0346153, MONDO:0016419, OMIM 114480. Disease mechanism: loss of function.

Submissions (2):

Evidence-based Network for the Interpretation of Germline Mutant Alleles (ENIGMA)
Classification: Pathogenic for Breast-ovarian cancer, familial, susceptibility to, 1. Last evaluated: 2017-12-15. Review status: reviewed by expert panel. Criteria: ENIGMA BRCA1/2 Classification Criteria (2017-06-29). Collection method: curation. Allele origin: germline. Study: ENIGMA.
Comment: Variant allele predicted to encode a truncated non-functional protein.

ClinVar Staff, National Center for Biotechnology Information (NCBI)
No classification provided. Condition: Familial cancer of breast. Review status: no classification provided. Collection method: literature only. Allele origin: germline. Affected: yes. Not counted in ClinVar's aggregate classification.

Literature cited by the submitters: PubMed 19016756 (cited by ClinVar Staff, National Center for Biotechnology Information (NCBI)).